The following is an entry in ClinVar:

NM_003636.4(KCNAB2):c.21G>A (p.Thr7=)

Gene: KCNAB2 (potassium voltage-gated channel subfamily A regulatory beta subunit 2; plus strand). Cytogenetic location: 1p36.31.
Variant type: single nucleotide variant.
Coding change: c.21G>A on transcript NM_003636.4; coding-DNA position 21, G replaced by A.
Protein change: p.Thr7=; no amino-acid change (threonine 7 retained).
Molecular consequence: synonymous variant.
Genome position (GRCh38, 1-based): chr1:6,040,589, G>A. VCF-style: chr1-6040589-G-A. GRCh37 (hg19) VCF-style: chr1-6100649-G-A.
Other names: c.21G>A, p.Thr7= (NM_172130.3, NM_001199860.2, NM_001199861.2).
Identifiers: ClinVar variation 3025478 (VCV003025478.20), dbSNP rs541930222, ClinGen allele CA554994.
Genomic context (GRCh38, chr1:6,040,589, plus strand): 5'-GTAAAAAACCGAGCAAGTCTGGATAAGTGAGGCTGGCTCCATGTATCCAGAATCAACGAC[G>A]GGCTCCCCGGCTCGGCTCTCGCTGCGGCAGACGGGCTCCCCCGGGATGATCTACAGGTGA-3'

ClinVar aggregate classification (germline): Likely benign (1 of 4 stars; one submission).

Allele frequency attached by ClinVar (database versions not stated): TOPMed 0.00008; 1000 Genomes Project 30x 0.00031; 1000 Genomes Project 0.00040; ExAC 0.00054; gnomAD 0.00017; gnomAD exomes 0.00024.
gnomAD v4.1: 375 of 1,614,182 alleles (0.023%); highest among the groups gnomAD compares: South Asian, 0.29%; 2 homozygotes.

Submission:

CeGaT Center for Human Genetics Tuebingen
Classification: Likely benign. Last evaluated: 2026-01-01. Review status: criteria provided, single submitter. Criteria: CeGaT Center For Human Genetics Tuebingen Variant Classification Criteria Version 2. Collection method: clinical testing. Allele origin: germline. Affected: yes. Observed: 2 variant alleles.
Comment: KCNAB2: BP4, BP7